The following is an entry in ClinVar:

ClinVar aggregate classification (germline): Conflicting classifications of pathogenicity. Review status: criteria provided, conflicting classifications (1 of 4 stars). 12 submissions from 12 submitters: Uncertain significance (7); Benign (1); Likely benign (1). 3 of the submissions do not count toward it. Last evaluated 2025-12-22.

Conditions:
SUFU-related disorder. Also called: SUFU-related condition; SUFU-related disorders.
Medulloblastoma (MDB). Also called: MEDULLOBLASTOMA PREDISPOSITION SYNDROME; Medulloblastoma, somatic. Identifiers: Orphanet 616, MedGen C0025149, MeSH D008527, MONDO:0007959, OMIM 155255, HP:0002885.
Joubert syndrome 32 (JBTS32). Identifiers: MedGen C4540342, MONDO:0033309, OMIM 617757.
Familial meningioma. Also called: Meningioma, familial, susceptibility to. Identifiers: Orphanet 263662, MedGen C3551915, MONDO:0011789, OMIM 607174.
Gorlin syndrome. Also called: Nevoid Basal Cell Carcinoma Syndrome; Basal cell nevus syndrome. Identifiers: Orphanet 377, MedGen C0004779, MONDO:0007187.
Hereditary cancer-predisposing syndrome. Also called: Tumor predisposition; Hereditary neoplastic syndrome; Neoplastic Syndromes, Hereditary; Hereditary Cancer Syndrome. Identifiers: Orphanet 140162, MedGen C0027672, MeSH D009386, MONDO:0015356.

Allele frequency attached by ClinVar (database versions not stated): TOPMed 0.00006; gnomAD 0.00008; ESP Exome Variant Server 0.00031.
gnomAD v4.1: 261 of 1,614,080 alleles (0.016%); highest among the groups gnomAD compares: Non-Finnish European, 0.021%; no homozygotes.

Submissions (12):

Labcorp Genetics (formerly Invitae), Labcorp
Classification: Likely benign for Gorlin syndrome; Medulloblastoma. Last evaluated: 2025-12-22. Review status: criteria provided, single submitter. Criteria: Invitae Variant Classification Sherloc (09022015). Collection method: clinical testing. Allele origin: germline.

Quest Diagnostics Nichols Institute San Juan Capistrano
Classification: Uncertain significance. Last evaluated: 2025-04-25. Review status: criteria provided, single submitter. Criteria: Quest Diagnostics criteria. Collection method: clinical testing. Allele origin: unknown.
Comment: The SUFU c.1028G>A (p.Arg343His) variant has been reported in the published literature in an individual with chordoma (PMID: 34070849 (2021)). The frequency of this variant in the general population (Genome Aggregation Database) is higher than would generally be expected for pathogenic variants in this gene. Analysis of this variant using bioinformatics tools for the prediction of the effect of amino acid changes on protein structure and function yielded predictions that this variant is damaging. Based on the available information, we are unable to determine the clinical significance of this variant.

GeneDx
Classification: Uncertain significance. Last evaluated: 2024-12-04. Review status: criteria provided, single submitter. Criteria: GeneDx Variant Classification Process June 2021. Collection method: clinical testing. Allele origin: germline. Affected: yes.
Comment: Observed in an individual with a personal history of chondroma (PMID: 34070849); In silico analysis indicates that this missense variant does not alter protein structure/function; This variant is associated with the following publications: (PMID: 24728327, 26336887, 34070849, 24311597)

Blueprint Genetics
Classification: Uncertain significance. Last evaluated: 2024-09-04. Review status: criteria provided, single submitter. Criteria: ACMG Guidelines, 2015. Collection method: clinical testing. Allele origin: germline.

ARUP Laboratories, Molecular Genetics and Genomics, ARUP Laboratories
Classification: Uncertain significance. Last evaluated: 2023-09-11. Review status: criteria provided, single submitter. Criteria: ARUP Molecular Germline Variant Investigation Process 2024. Collection method: clinical testing. Allele origin: germline.
Comment: The SUFU c.1028G>A; p.Arg343His variant (rs79299301) is reported in the literature in an individual affected with chordoma, but without clear disease association (Yepes 2021). This variant is also reported in ClinVar (Variation ID: 135285), and is found in the non-Finnish European population with an allele frequency of 0.015% (19/129150 alleles) in the Genome Aggregation Database. Computational analyses are uncertain whether this variant is neutral or deleterious (REVEL: 0.473). Due to limited information, the clinical significance of this variant is uncertain at this time.

Baylor Genetics
Classification: Uncertain significance for Familial meningioma. Last evaluated: 2023-09-05. Review status: criteria provided, single submitter. Criteria: ACMG Guidelines, 2015. Collection method: clinical testing. Allele origin: unknown.

Ambry Genetics
Classification: Benign for Hereditary cancer-predisposing syndrome. Last evaluated: 2021-01-04. Review status: criteria provided, single submitter. Criteria: Ambry Variant Classification Scheme 2023. Collection method: clinical testing. Allele origin: germline.

Fulgent Genetics
Classification: Uncertain significance for Basal cell nevus syndrome 1; Medulloblastoma; Familial meningioma; Joubert syndrome 32. Last evaluated: 2018-10-31. Review status: criteria provided, single submitter. Criteria: ACMG Guidelines, 2015. Collection method: clinical testing. Allele origin: unknown.

Illumina Laboratory Services, Illumina
Classification: Uncertain significance for Medulloblastoma. Last evaluated: 2018-01-13. Review status: criteria provided, single submitter. Criteria: ICSL Variant Classification Criteria 13 December 2019. Collection method: clinical testing. Allele origin: germline.

PreventionGenetics, part of Exact Sciences
Classification: Likely benign for SUFU-related condition. Last evaluated: 2024-08-30. Review status: no assertion criteria provided. Collection method: clinical testing. Allele origin: germline. Not counted in ClinVar's aggregate classification.
Comment: This variant is classified as likely benign based on ACMG/AMP sequence variant interpretation guidelines (Richards et al. 2015 PMID: 25741868, with internal and published modifications).

ITMI
No classification provided. Condition: AllHighlyPenetrant. Last evaluated: 2013-09-19. Review status: no classification provided. Collection method: reference population. Allele origin: germline. Not counted in ClinVar's aggregate classification.
Comment: Please see associated publication for description of ethnicities

Department of Pathology and Laboratory Medicine, Sinai Health System
Classification: Uncertain significance. Review status: no assertion criteria provided. Collection method: clinical testing. Allele origin: unknown. Affected: yes. Study: The Canadian Open Genetics Repository (COGR). Not counted in ClinVar's aggregate classification.
Comment: The SUFU p.R343H variant was not identified in the literature nor was it identified in LOVD 3.0. The variant was identified in dbSNP (ID: rs79299301), Cosmic and ClinVar (classified as uncertain significance by Ambry Genetics, Invitae, Illumina and Fulgent Genetics). The variant was identified in control databases in 23 of 282820 chromosomes at a frequency of 0.00008132 (Genome Aggregation Database March 6, 2019, v2.1.1). The variant was observed in the following populations: Other in 2 of 7224 chromosomes (freq: 0.000277), European (non-Finnish) in 19 of 129150 chromosomes (freq: 0.000147), African in 1 of 24960 chromosomes (freq: 0.00004) and South Asian in 1 of 30616 chromosomes (freq: 0.000033), but was not observed in the Latino, Ashkenazi Jewish, East Asian, or European (Finnish) populations. The p.R343 residue is conserved in mammals and computational analyses (PolyPhen-2, SIFT, AlignGVGD, BLOSUM, MutationTaster) provide inconsistent predictions regarding the impact to the protein; this information is not very predictive of pathogenicity. The variant occurs outside of the splicing consensus sequence and in silico or computational prediction software programs (SpliceSiteFinder, MaxEntScan, NNSPLICE, GeneSplicer) do not predict a difference in splicing. In summary, based on the above information the clinical significance of this variant cannot be determined with certainty at this time. This variant is classified as a variant of uncertain significance.

Literature cited by the submitters: PubMed 34070849 (cited by Quest Diagnostics Nichols Institute San Juan Capistrano); PubMed 24728327 (cited by ITMI).

NM_016169.4(SUFU):c.1028G>A (p.Arg343His)

Gene: SUFU (SUFU negative regulator of hedgehog signaling; plus strand). Cytogenetic location: 10q24.32.
Variant type: single nucleotide variant.
Coding change: c.1028G>A on transcript NM_016169.4 (MANE Select); coding-DNA position 1028, G replaced by A.
Protein change: p.Arg343His; replaces arginine 343 with histidine.
Molecular consequence: missense variant.
Genome position (GRCh38, 1-based): chr10:102,615,273, G>A. VCF-style: chr10-102615273-G-A. GRCh37 (hg19) VCF-style: chr10-104375030-G-A.
Other names: c.1028G>A, p.Arg343His (NM_001178133.2); short protein forms R343H.
Identifiers: ClinVar variation 135285 (VCV000135285.29), dbSNP rs79299301, ClinGen allele CA162222.
Genomic context (GRCh38, chr10:102,615,273, plus strand): 5'-CTCCTCCCTGAGCTTTTCACCTTGTGCCGAACCTTTTCCTGTGCTTGCTTCACAGGAGCC[G>A]CAAAGACAGCCTGGAAAGTGACAGCTCCACGGCCATCATTCCCCATGAGCTGATTCGCAC-3'
Protein context (NP_057253.2, residues 333-353): NGLAHDRAPS[Arg343His]KDSLESDSST